The following is an entry in ClinVar:

NM_006922.4(SCN3A):c.5434A>G (p.Lys1812Glu)

Gene: SCN3A (sodium voltage-gated channel alpha subunit 3; minus strand). Cytogenetic location: 2q24.3.
Variant type: single nucleotide variant.
Coding change: c.5434A>G on transcript NM_006922.4 (MANE Select); coding-DNA position 5434, A replaced by G.
Protein change: p.Lys1812Glu; replaces lysine 1812 with glutamic acid.
Molecular consequence: missense variant.
Genome position (GRCh38, 1-based): chr2:165,090,719, T>C on the plus strand (A>G on the coding strand, the complement: SCN3A is on the minus strand). VCF-style: chr2-165090719-T-C. GRCh37 (hg19) VCF-style: chr2-165947229-T-C.
Other names: c.5287A>G, p.Lys1763Glu (NM_001081676.2, NM_001081677.2); short protein forms K1763E, K1812E.
Identifiers: ClinVar variation 3793191 (VCV003793191.2).
Genomic context (GRCh38, chr2:165,090,719, plus strand): 5'-CTTTGTTGGGTTTTGCTATGAGAAGAGGAGGATCCAGGGCAGCTGCAAAATCAGAGAGTT[T>C]AGAGAACTCTATAAACTGGGTCGCATCGGGATCAAACTTTTCCCAAACCTCATAGAACAT-3'
Protein context (NP_008853.3, residues 1802-1822): PDATQFIEFS[Lys1812Glu]LSDFAAALDP

ClinVar aggregate classification (germline): Uncertain significance. Review status: criteria provided, multiple submitters, no conflicts (2 of 4 stars). 2 submissions from 2 submitters: Uncertain significance (2). Last evaluated 2025-06-22.

Conditions:
Inborn genetic diseases. Identifiers: MedGen C0950123, MeSH D030342.

gnomAD v4.1: 1 of 1,614,096 alleles (0.000062%); highest among the groups gnomAD compares: Non-Finnish European, 0.000085%; no homozygotes.

Submissions (2):

Labcorp Genetics (formerly Invitae), Labcorp
Classification: Uncertain significance. Last evaluated: 2025-06-22. Review status: criteria provided, single submitter. Criteria: Invitae Variant Classification Sherloc (09022015). Collection method: clinical testing. Allele origin: germline.
Comment: This sequence change replaces lysine, which is basic and polar, with glutamic acid, which is acidic and polar, at codon 1812 of the SCN3A protein (p.Lys1812Glu). This variant is not present in population databases (gnomAD no frequency). This variant has not been reported in the literature in individuals affected with SCN3A-related conditions. ClinVar contains an entry for this variant (Variation ID: 3793191). Invitae Evidence Modeling of protein sequence and biophysical properties (such as structural, functional, and spatial information, amino acid conservation, physicochemical variation, residue mobility, and thermodynamic stability) indicates that this missense variant is not expected to disrupt SCN3A protein function with a negative predictive value of 95%. In summary, the available evidence is currently insufficient to determine the role of this variant in disease. Therefore, it has been classified as a Variant of Uncertain Significance.

Ambry Genetics
Classification: Uncertain significance for Inborn genetic diseases. Last evaluated: 2025-01-26. Review status: criteria provided, single submitter. Criteria: Ambry Variant Classification Scheme 2023. Collection method: clinical testing. Allele origin: germline.